The following is an entry in ClinVar:

NM_005245.4(FAT1):c.10055A>G (p.Gln3352Arg)

Gene: FAT1 (FAT atypical cadherin 1; minus strand). Cytogenetic location: 4q35.2.
Variant type: single nucleotide variant.
Coding change: c.10055A>G on transcript NM_005245.4 (MANE Select); coding-DNA position 10055, A replaced by G.
Protein change: p.Gln3352Arg; replaces glutamine 3352 with arginine.
Molecular consequence: missense variant.
Genome position (GRCh38, 1-based): chr4:186,609,814, T>C on the plus strand (A>G on the coding strand, the complement: FAT1 is on the minus strand). VCF-style: chr4-186609814-T-C. GRCh37 (hg19) VCF-style: chr4-187530968-T-C.
Other names: c.10055A>G, p.Gln3352Arg (NM_001440455.1, NM_001440456.1, NM_001440457.1); short protein forms Q3352R.
Identifiers: ClinVar variation 4540142 (VCV004540142.2).
Genomic context (GRCh38, chr4:186,609,814, plus strand): 5'-ATCCAGAAGATACACAGTTTTCACTGTAATGGGGAAAAAATACACACCGTGATGACAGAC[T>C]GCTCAAGAACGGCATCTTCACTGATGACTGTCGTGTAGGTGTCTTGGCTGAACACAGGGG-3'
Protein context (NP_005236.2, residues 3342-3362): TVISEDAVLE[Gln3352Arg]SVITVMADDA

ClinVar aggregate classification (germline): Uncertain significance (1 of 4 stars; one submission).

gnomAD v4.1: 9 of 1,612,036 alleles (0.00056%); highest among the groups gnomAD compares: Admixed American, 0.013%; no homozygotes.

Submission:

GeneDx
Classification: Uncertain significance. Last evaluated: 2026-09-25. Review status: criteria provided, single submitter. Criteria: GeneDx Variant Classification Process June 2021. Collection method: clinical testing. Allele origin: germline.
Comment: In silico analysis suggests that this missense variant does not alter protein structure/function; Has not been previously published as pathogenic or benign to our knowledge